The following is an entry in ClinVar:

NM_001754.5(RUNX1):c.1113G>A (p.Met371Ile)

Gene: RUNX1 (RUNX family transcription factor 1; minus strand). Cytogenetic location: 21q22.12.
Variant type: single nucleotide variant.
Coding change: c.1113G>A on transcript NM_001754.5 (MANE Select); coding-DNA position 1113, G replaced by A.
Protein change: p.Met371Ile; replaces methionine 371 with isoleucine.
Molecular consequence: missense variant.
Genome position (GRCh38, 1-based): chr21:34,792,465, C>T on the plus strand (G>A on the coding strand, the complement: RUNX1 is on the minus strand). VCF-style: chr21-34792465-C-T. GRCh37 (hg19) VCF-style: chr21-36164762-C-T.
Other names: NM_001754.5(RUNX1):c.1113G>A; p.Met371Ile; c.1032G>A, p.Met344Ile (NM_001001890.3); short protein forms M344I, M371I.
Identifiers: ClinVar variation 1420902 (VCV001420902.7), dbSNP rs1348452375, ClinGen allele CA410148080.

ClinVar aggregate classification (germline): Uncertain significance. Review status: reviewed by expert panel (3 of 4 stars). 2 submissions from 2 submitters: Uncertain significance (1). 1 of the submissions does not count toward it. Last evaluated 2024-09-30.

Conditions:
Hereditary thrombocytopenia and hematologic cancer predisposition syndrome. Identifiers: Orphanet 71290, MedGen CN281654, MONDO:0011071.
Hereditary thrombocytopenia and hematological cancer predisposition syndrome associated with RUNX1. Also called: Familial Platelet Disorder with Propensity to Acute Myelogenous Leukemia; Familial thrombocytopenia with propensity to acute myelogenous leukemia; RUNX1 Familial Platelet Disorder with Associated Myeloid Malignancies; PLATELET DISORDER, ASPIRIN-LIKE. Identifiers: Orphanet 71290, MedGen C1832388, MeSH C563324, MONDO:0100083, OMIM 601399.

gnomAD v4.1: 1 of 1,583,372 alleles (0.000063%); highest among the groups gnomAD compares: Admixed American, 0.0018%; no homozygotes.

Submissions (2):

ClinGen Myeloid Malignancy Variant Curation Expert Panel
Classification: Uncertain significance for Hereditary thrombocytopenia and hematologic cancer predisposition syndrome. Last evaluated: 2024-09-30. Review status: reviewed by expert panel. Criteria: ClinGen MyeloMalig ACMG Specifications v2. Collection method: curation. Allele origin: germline. Inheritance: Autosomal dominant inheritance.
Comment: NM_001754.5(RUNX1):c.1113G>A (p.Met371Ile) is a missense variant which does not meet any ACMG/AMP criteria. In summary, the clinical significance of this variant is uncertain. ACMG/AMP criteria applied, as specified by the Myeloid Malignancy Variant Curation Expert Panel for RUNX1: None.

Labcorp Genetics (formerly Invitae), Labcorp
Classification: Uncertain significance for Hereditary thrombocytopenia and hematological cancer predisposition syndrome associated with RUNX1. Last evaluated: 2023-04-28. Review status: criteria provided, single submitter. Criteria: Invitae Variant Classification Sherloc (09022015). Collection method: clinical testing. Allele origin: germline. Not counted in ClinVar's aggregate classification.
Comment: In summary, the available evidence is currently insufficient to determine the role of this variant in disease. Therefore, it has been classified as a Variant of Uncertain Significance. Advanced modeling of protein sequence and biophysical properties (such as structural, functional, and spatial information, amino acid conservation, physicochemical variation, residue mobility, and thermodynamic stability) has been performed at Invitae for this missense variant, however the output from this modeling did not meet the statistical confidence thresholds required to predict the impact of this variant on RUNX1 protein function. ClinVar contains an entry for this variant (Variation ID: 1420902). This variant has not been reported in the literature in individuals affected with RUNX1-related conditions. This variant is present in population databases (no rsID available, gnomAD 0.004%). This sequence change replaces methionine, which is neutral and non-polar, with isoleucine, which is neutral and non-polar, at codon 371 of the RUNX1 protein (p.Met371Ile).